The following is an entry in ClinVar:

NM_001378454.1(ALMS1):c.8916A>G (p.Lys2972=)

Gene: ALMS1 (ALMS1 centrosome and basal body associated protein; plus strand). Cytogenetic location: 2p13.1.
Variant type: single nucleotide variant.
Coding change: c.8916A>G on transcript NM_001378454.1 (MANE Select); coding-DNA position 8916, A replaced by G.
Protein change: p.Lys2972=; no amino-acid change (lysine 2972 retained).
Molecular consequence: synonymous variant.
Genome position (GRCh38, 1-based): chr2:73,490,875, A>G. VCF-style: chr2-73490875-A-G. GRCh37 (hg19) VCF-style: chr2-73718002-A-G.
Other names: c.8919A>G, p.Lys2973= (NM_015120.4).
Identifiers: ClinVar variation 4999999 (VCV004999999.1).

ClinVar aggregate classification (germline): Likely benign (1 of 4 stars; one submission).

Conditions:
ALMS1-related disorder. Also called: ALMS1-related condition.

Submission:

PreventionGenetics, part of Exact Sciences
Classification: Likely benign for ALMS1-related condition. Last evaluated: 2024-12-18. Review status: criteria provided, single submitter. Criteria: ACMG Guidelines, 2015. Collection method: clinical testing. Allele origin: germline.
Comment: This variant is classified as likely benign based on ACMG/AMP sequence variant interpretation guidelines (Richards et al. 2015 PMID: 25741868, with internal and published modifications).